The following is an entry in ClinVar:

ClinVar aggregate classification (germline): Likely benign. Review status: criteria provided, single submitter (1 of 4 stars). 2 submissions from 2 submitters: Likely benign (1). 1 of the submissions does not count toward it. Last evaluated 2022-01-06.

Conditions:
HERC2-related disorder. Also called: HERC2-related condition.

Allele frequency attached by ClinVar (database versions not stated): ExAC 0.00008; TOPMed 0.00009; gnomAD 0.00011; ESP Exome Variant Server 0.00015; gnomAD exomes 0.00027.
gnomAD v4.1: 401 of 1,606,554 alleles (0.025%); highest among the groups gnomAD compares: Non-Finnish European, 0.032%; no homozygotes.

Submissions (2):

Blueprint Genetics
Classification: Likely benign. Last evaluated: 2022-01-06. Review status: criteria provided, single submitter. Criteria: ACMG Guidelines, 2015. Collection method: clinical testing. Allele origin: germline.

PreventionGenetics, part of Exact Sciences
Classification: Likely benign for HERC2-related condition. Last evaluated: 2020-01-24. Review status: no assertion criteria provided. Collection method: clinical testing. Allele origin: germline. Not counted in ClinVar's aggregate classification.
Comment: This variant is classified as likely benign based on ACMG/AMP sequence variant interpretation guidelines (Richards et al. 2015 PMID: 25741868, with internal and published modifications).

NM_004667.6(HERC2):c.8454C>T (p.His2818=)

Gene: HERC2 (HECT and RLD domain containing E3 ubiquitin protein ligase 2; minus strand). Cytogenetic location: 15q13.1.
Variant type: single nucleotide variant.
Coding change: c.8454C>T on transcript NM_004667.6 (MANE Select); coding-DNA position 8454, C replaced by T.
Protein change: p.His2818=; no amino-acid change (histidine 2818 retained).
Molecular consequence: synonymous variant.
Genome position (GRCh38, 1-based): chr15:28,191,242, G>A on the plus strand (C>T on the coding strand, the complement: HERC2 is on the minus strand). VCF-style: chr15-28191242-G-A. GRCh37 (hg19) VCF-style: chr15-28436388-G-A.
Identifiers: ClinVar variation 3052146 (VCV003052146.3), dbSNP rs368500253, ClinGen allele CA7441462.